The following is an entry in ClinVar:

ClinVar aggregate classification (germline): Uncertain significance (1 of 4 stars; one submission).

Conditions:
Candidiasis, familial, 9 (CANDF9). Identifiers: Orphanet 1334, MedGen C4225324, MONDO:0014642, OMIM 616445.

Submission:

Labcorp Genetics (formerly Invitae), Labcorp
Classification: Uncertain significance for Candidiasis, familial, 9. Last evaluated: 2024-04-26. Review status: criteria provided, single submitter. Criteria: Invitae Variant Classification Sherloc (09022015). Collection method: clinical testing. Allele origin: germline.
Comment: This sequence change results in a frameshift in the IL17RC gene (p.Leu734Trpfs*60). While this is not anticipated to result in nonsense mediated decay, it is expected to disrupt the last 58 amino acid(s) of the IL17RC protein and extend the protein by 1 additional amino acid residues. This variant is not present in population databases (gnomAD no frequency). This variant has not been reported in the literature in individuals affected with IL17RC-related conditions. Experimental studies and prediction algorithms are not available or were not evaluated, and the functional significance of this variant is currently unknown. In summary, the available evidence is currently insufficient to determine the role of this variant in disease. Therefore, it has been classified as a Variant of Uncertain Significance.

NM_153460.4(IL17RC):c.1987del (p.Leu663fs)

Gene: IL17RC (interleukin 17 receptor C; plus strand). Cytogenetic location: 3p25.3.
Variant type: Deletion.
Coding change: c.1987del on transcript NM_153460.4 (MANE Select); coding-DNA position 1987, one base deleted (C; older notation c.1987delC).
Protein change: p.Leu663fs; shifts the reading frame from leucine 663.
Molecular consequence: frameshift variant. On other transcripts: non-coding transcript variant (1).
Genome position (GRCh38, 1-based): chr3:9,933,417, C deleted; the last of 2 consecutive C bases (chr3:9,933,416-9,933,417); deleting either gives the same sequence. VCF-style (leftmost placement, unchanged base first): chr3-9933415-TC-T. GRCh37 (hg19) VCF-style: chr3-9975099-TC-T.
Other names: c.1909del, p.Leu637fs (NM_001367278.1); c.1828del, p.Leu610fs (NM_001367279.1); c.1903del, p.Leu635fs (NM_001367280.1); c.1852del, p.Leu618fs (NM_001410711.1); c.1942del, p.Leu648fs (NM_032732.6); c.2200del, p.Leu734fs (NM_153461.4); c.1948del, p.Leu650fs (NM_001203263.2); c.1897del, p.Leu633fs (NM_001203264.2); and 1 more; short protein forms L633fs, L650fs, L663fs, L610fs, L618fs, L648fs, L734fs, L635fs.
Identifiers: ClinVar variation 3675001 (VCV003675001.2).